The following is an entry in ClinVar:

NM_181783.4(TMTC3):c.2272A>G (p.Lys758Glu)

Gene: TMTC3 (transmembrane O-mannosyltransferase targeting cadherins 3; plus strand). Cytogenetic location: 12q21.32.
Variant type: single nucleotide variant.
Coding change: c.2272A>G on transcript NM_181783.4 (MANE Select); coding-DNA position 2272, A replaced by G.
Protein change: p.Lys758Glu; replaces lysine 758 with glutamic acid.
Molecular consequence: missense variant. On other transcripts: non-coding transcript variant (1).
Genome position (GRCh38, 1-based): chr12:88,195,176, A>G. VCF-style: chr12-88195176-A-G. GRCh37 (hg19) VCF-style: chr12-88588953-A-G.
Other names: c.2092A>G, p.Lys698Glu (NM_001366574.1); c.2053A>G, p.Lys685Glu (NM_001366579.1); c.2005A>G, p.Lys669Glu (NM_001366580.1); c.1579A>G, p.Lys527Glu (NM_001366583.1); c.2272A>G (NM_181783.3); short protein forms K685E, K758E, K527E, K669E, K698E.
Identifiers: ClinVar variation 1525845 (VCV001525845.7), dbSNP rs1303200193, ClinGen allele CA386119538.

ClinVar aggregate classification (germline): Uncertain significance. Review status: criteria provided, multiple submitters, no conflicts (2 of 4 stars). 2 submissions from 2 submitters: Uncertain significance (2). Last evaluated 2025-06-22.

Conditions:
Inborn genetic diseases. Identifiers: MedGen C0950123, MeSH D030342.

Allele frequency attached by ClinVar (database versions not stated): gnomAD exomes 0.00001 and 0.00002.
gnomAD v4.1: 4 of 1,613,890 alleles (0.00025%); highest among the groups gnomAD compares: Admixed American, 0.0067%; no homozygotes.

Submissions (2):

Ambry Genetics
Classification: Uncertain significance for Inborn genetic diseases. Last evaluated: 2025-06-22. Review status: criteria provided, single submitter. Criteria: Ambry Variant Classification Scheme 2023. Collection method: clinical testing. Allele origin: germline.

Labcorp Genetics (formerly Invitae), Labcorp
Classification: Uncertain significance. Last evaluated: 2025-06-02. Review status: criteria provided, single submitter. Criteria: Invitae Variant Classification Sherloc (09022015). Collection method: clinical testing. Allele origin: germline.
Comment: This sequence change replaces lysine, which is basic and polar, with glutamic acid, which is acidic and polar, at codon 758 of the TMTC3 protein (p.Lys758Glu). This variant is present in population databases (no rsID available, gnomAD 0.01%). This variant has not been reported in the literature in individuals affected with TMTC3-related conditions. ClinVar contains an entry for this variant (Variation ID: 1525845). An algorithm developed to predict the effect of missense changes on protein structure and function outputs the following: PolyPhen-2: "Benign". The glutamic acid amino acid residue is found in multiple mammalian species, which suggests that this missense change does not adversely affect protein function. In summary, the available evidence is currently insufficient to determine the role of this variant in disease. Therefore, it has been classified as a Variant of Uncertain Significance.